The following is an entry in ClinVar:

NM_020732.3:c.6397_6408del

Gene: ARID1B (AT-rich interaction domain 1B; plus strand).
Variant type: Deletion.
Other names: c.6397_6408del (NM_020732.3).
Identifiers: ClinVar variation 4530018 (VCV004530018.1).

ClinVar aggregate classification (germline): Uncertain significance (1 of 4 stars; one submission).

Submission:

GeneDx
Classification: Uncertain significance. Last evaluated: 2025-05-16. Review status: criteria provided, single submitter. Criteria: GeneDx Variant Classification Process June 2021. Collection method: clinical testing. Allele origin: germline. Affected: yes.
Comment: Not observed at significant frequency in large population cohorts (gnomAD); In-frame deletion of 4 amino acid(s) in a non-repeat region; In silico analysis supports a deleterious effect on protein structure/function; Has not been previously published as pathogenic or benign to our knowledge.